The following is an entry in ClinVar:

ClinVar aggregate classification (germline): Likely benign. Review status: criteria provided, multiple submitters, no conflicts (2 of 4 stars). 2 submissions from 2 submitters: Likely benign (2). Last evaluated 2026-08-27.

Conditions:
CDHR1-related disorder. Also called: CDHR1-related condition.

gnomAD v4.1: 53 of 1,550,462 alleles (0.0034%); highest among the groups gnomAD compares: Admixed American, 0.045%; no homozygotes.

Submissions (2):

PreventionGenetics, part of Exact Sciences
Classification: Likely benign for CDHR1-related condition. Last evaluated: 2026-08-27. Review status: criteria provided, single submitter. Criteria: ACMG Guidelines, 2015. Collection method: clinical testing. Allele origin: germline.
Comment: This variant is classified as likely benign based on ACMG/AMP sequence variant interpretation guidelines (Richards et al. 2015 PMID: 25741868, with internal and published modifications).

Blueprint Genetics
Classification: Likely benign. Last evaluated: 2023-10-31. Review status: criteria provided, single submitter. Criteria: ACMG Guidelines, 2015. Collection method: clinical testing. Allele origin: germline.

NM_001171971.3(CDHR1):c.2139G>A (p.Gln713=)

Gene: CDHR1 (cadherin related family member 1; plus strand). Cytogenetic location: 10q23.1.
Variant type: single nucleotide variant.
Coding change: c.2139G>A on transcript NM_001171971.3; coding-DNA position 2139, G replaced by A.
Protein change: p.Gln713=; no amino-acid change (glutamine 713 retained).
Molecular consequence: synonymous variant.
Genome position (GRCh38, 1-based): chr10:84,219,177, G>A. VCF-style: chr10-84219177-G-A. GRCh37 (hg19) VCF-style: chr10-85978933-G-A.
Identifiers: ClinVar variation 4908421 (VCV004908421.2).